The following is an entry in ClinVar:

ClinVar aggregate classification (germline): Uncertain significance (1 of 4 stars; one submission).

Submission:

Labcorp Genetics (formerly Invitae), Labcorp
Classification: Uncertain significance. Last evaluated: 2022-02-17. Review status: criteria provided, single submitter. Criteria: Invitae Variant Classification Sherloc (09022015). Collection method: clinical testing. Allele origin: germline.
Comment: In summary, the available evidence is currently insufficient to determine the role of this variant in disease. Therefore, it has been classified as a Variant of Uncertain Significance. Algorithms developed to predict the effect of missense changes on protein structure and function are either unavailable or do not agree on the potential impact of this missense change (SIFT: "Not Available"; PolyPhen-2: "Possibly Damaging"; Align-GVGD: "Not Available"). This variant has not been reported in the literature in individuals affected with ADSSL1-related conditions. This variant is not present in population databases (gnomAD no frequency). This sequence change replaces isoleucine, which is neutral and non-polar, with methionine, which is neutral and non-polar, at codon 473 of the ADSSL1 protein (p.Ile473Met).

NM_152328.5(ADSS1):c.1290C>G (p.Ile430Met)

Gene: ADSS1 (adenylosuccinate synthase 1; plus strand). Cytogenetic location: 14q32.33.
Variant type: single nucleotide variant.
Coding change: c.1290C>G on transcript NM_152328.5 (MANE Select); coding-DNA position 1290, C replaced by G.
Protein change: p.Ile430Met; replaces isoleucine 430 with methionine.
Molecular consequence: missense variant.
Genome position (GRCh38, 1-based): chr14:104,746,354, C>G. VCF-style: chr14-104746354-C-G. GRCh37 (hg19) VCF-style: chr14-105212691-C-G.
Other names: c.675C>G, p.Ile225Met (NM_001320424.1); c.1419C>G, p.Ile473Met (NM_199165.2); short protein forms I225M, I430M, I473M.
Identifiers: ClinVar variation 2421353 (VCV002421353.5), dbSNP rs771908328, ClinGen allele CA267337773.